The following is an entry in ClinVar:

ClinVar aggregate classification (germline): Benign/Likely benign. Review status: criteria provided, multiple submitters, no conflicts (2 of 4 stars). 11 submissions from 11 submitters: Benign (4); Likely benign (4). 3 of the submissions do not count toward it. Last evaluated 2026-08-01.

Conditions:
VPS13A-related neurodegenerative disease. Also called: Chorea-acanthocytosis; VPS13A Disease; Choreaacanthocytosis; ACANTHOCYTOSIS WITH NEUROLOGIC DISORDER; LEVINE-CRITCHLEY SYNDROME; Choreoacanthocytosis. Identifiers: Orphanet 2388, MedGen C0393576, MONDO:0008695, OMIM 200150.

Allele frequency attached by ClinVar (database versions not stated): 1000 Genomes Project 30x 0.00234; 1000 Genomes Project 0.00240; TOPMed 0.00564; gnomAD exomes 0.00631 and 0.01045; ExAC 0.00636; gnomAD 0.00661 and 0.00672; ESP Exome Variant Server 0.00792.
gnomAD v4.1: 16,085 of 1,614,136 alleles (1%); highest among the groups gnomAD compares: Non-Finnish European, 1.2%; 114 homozygotes.

Submissions (11):

CeGaT Center for Human Genetics Tuebingen
Classification: Benign. Last evaluated: 2026-08-01. Review status: criteria provided, single submitter. Criteria: CeGaT Center For Human Genetics Tuebingen Variant Classification Criteria Version 2. Collection method: clinical testing. Allele origin: germline. Affected: yes. Observed: 27 variant alleles.
Comment: VPS13A: BP4, BP7, BS1, BS2

Labcorp Genetics (formerly Invitae), Labcorp
Classification: Benign. Last evaluated: 2026-01-31. Review status: criteria provided, single submitter. Criteria: Invitae Variant Classification Sherloc (09022015). Collection method: clinical testing. Allele origin: germline.

Blueprint Genetics
Classification: Likely benign. Last evaluated: 2024-11-25. Review status: criteria provided, single submitter. Criteria: ACMG Guidelines, 2015. Collection method: clinical testing. Allele origin: germline.

Mayo Clinic Laboratories, Mayo Clinic
Classification: Benign. Last evaluated: 2023-11-06. Review status: criteria provided, single submitter. Criteria: ACMG Guidelines, 2015. Collection method: clinical testing. Allele origin: germline. Observed: 6 variant alleles.
Comment: BS1, BS2, BP4, BP7

GeneDx
Classification: Likely benign. Last evaluated: 2021-10-25. Review status: criteria provided, single submitter. Criteria: GeneDx Variant Classification Process June 2021. Collection method: clinical testing. Allele origin: germline. Affected: yes.

Athena Diagnostics
Classification: Benign. Last evaluated: 2019-01-22. Review status: criteria provided, single submitter. Criteria: Athena Diagnostics Criteria. Collection method: clinical testing. Allele origin: germline.

Illumina Laboratory Services, Illumina
Classification: Likely benign for VPS13A-related neurodegenerative disease. Last evaluated: 2018-01-13. Review status: criteria provided, single submitter. Criteria: ICSL Variant Classification Criteria 13 December 2019. Collection method: clinical testing. Allele origin: germline.
Comment: This variant was observed in the ICSL laboratory as part of a predisposition screen in an ostensibly healthy population. It had not been previously curated by ICSL or reported in the Human Gene Mutation Database (HGMD: prior to June 1st, 2018), and was therefore a candidate for classification through an automated scoring system. Utilizing variant allele frequency, disease prevalence and penetrance estimates, and inheritance mode, an automated score was calculated to assess if this variant is too frequent to cause the disease. Based on the score and internal cut-off values, a variant classified as likely benign is not then subjected to further curation. The score for this variant resulted in a classification of likely benign for this disease.

Breakthrough Genomics
Classification: Likely benign. Review status: criteria provided, single submitter. Criteria: ACMG Guidelines, 2015. Collection method: not provided. Allele origin: germline. Inheritance: Autosomal recessive inheritance. Affected: yes.

Natera, Inc.
Classification: Benign for Choreaacanthocytosis. Last evaluated: 2019-12-06. Review status: no assertion criteria provided. Collection method: clinical testing. Allele origin: germline. Not counted in ClinVar's aggregate classification.

Diagnostic Laboratory, Department of Genetics, University Medical Center Groningen
Classification: Likely benign for VPS13A-related neurodegenerative disease. Review status: no assertion criteria provided. Collection method: clinical testing. Allele origin: germline. Affected: yes. Study: VKGL Data-share Consensus. Not counted in ClinVar's aggregate classification.

Genome Diagnostics Laboratory, Amsterdam University Medical Center
Classification: Benign. Review status: no assertion criteria provided. Collection method: clinical testing. Allele origin: germline. Affected: yes. Study: VKGL Data-share Consensus. Not counted in ClinVar's aggregate classification.

NM_033305.3(VPS13A):c.8676C>T (p.Ile2892=)

Gene: VPS13A (vacuolar protein sorting 13 homolog A; plus strand). Cytogenetic location: 9q21.2.
Variant type: single nucleotide variant.
Coding change: c.8676C>T on transcript NM_033305.3 (MANE Select); coding-DNA position 8676, C replaced by T.
Protein change: p.Ile2892=; no amino-acid change (isoleucine 2892 retained).
Molecular consequence: synonymous variant.
Genome position (GRCh38, 1-based): chr9:77,370,265, C>T. VCF-style: chr9-77370265-C-T. GRCh37 (hg19) VCF-style: chr9-79985181-C-T.
Other names: p.Ile2892=; c.8559C>T, p.Ile2853= (NM_001018037.2); c.8676C>T, p.Ile2892= (NM_001018038.3, NM_015186.4).
Identifiers: ClinVar variation 367425 (VCV000367425.56), dbSNP rs117485827, ClinGen allele CA5093730.
Genomic context (GRCh38, chr9:77,370,265, plus strand): 5'-TTAAAAGTGAATATAACTCACTCACTCATTTATTTACTATTTGGCCCTTTAGGGAGCCAT[C>T]CAGGGTCCTGAAGAGTTTGTGGAAGGAATGGCACTAGGACTTAAGGCACTAGTTGGTGGA-3'
Protein context (NP_150648.2, residues 2882-2902): AFFYEPYQGA[Ile2892=]QGPEEFVEGM